The following is an entry in ClinVar:

NM_012193.4(FZD4):c.*4079G>A

Genes: PRSS23 (serine protease 23; plus strand), FZD4 (frizzled class receptor 4; minus strand). Cytogenetic location: 11q14.2.
Variant type: single nucleotide variant.
Coding change: c.*4079G>A on transcript NM_012193.4 (MANE Select); 4079 bases downstream of the stop codon, G replaced by A.
Molecular consequence: 3 prime UTR variant.
Genome position (GRCh38, 1-based): chr11:86,947,063, C>T on the plus strand (G>A on the coding strand, the complement: FZD4 is on the minus strand). VCF-style: chr11-86947063-C-T. GRCh37 (hg19) VCF-style: chr11-86658105-C-T.
Identifiers: ClinVar variation 306344 (VCV000306344.5), dbSNP rs562725038, ClinGen allele CA10640391.

ClinVar aggregate classification (germline): Benign (1 of 4 stars; one submission).

Conditions:
Exudative vitreoretinopathy 1 (EVR1). Also called: CRISWICK-SCHEPENS SYNDROME; FEVR, AUTOSOMAL DOMINANT; Familial exudative vitreoretinopathy, autosomal dominant. Identifiers: Orphanet 891, Orphanet 90050, MedGen C1851402, MONDO:0007589, OMIM 133780.

Allele frequency attached by ClinVar (database versions not stated): gnomAD 0.00014; TOPMed 0.00024; 1000 Genomes Project 30x 0.00062; 1000 Genomes Project 0.00080.

Submission:

Illumina Laboratory Services, Illumina
Classification: Benign for Exudative vitreoretinopathy 1. Last evaluated: 2018-01-13. Review status: criteria provided, single submitter. Criteria: ICSL Variant Classification Criteria 13 December 2019. Collection method: clinical testing. Allele origin: germline.
Comment: This variant was observed in the ICSL laboratory as part of a predisposition screen in an ostensibly healthy population. It had not been previously curated by ICSL or reported in the Human Gene Mutation Database (HGMD: prior to June 1st, 2018), and was therefore a candidate for classification through an automated scoring system. Utilizing variant allele frequency, disease prevalence and penetrance estimates, and inheritance mode, an automated score was calculated to assess if this variant is too frequent to cause the disease. Based on the score and internal cut-off values, a variant classified as benign is not then subjected to further curation. The score for this variant resulted in a classification of benign for this disease.